The following is an entry in ClinVar:

ClinVar aggregate classification (germline): Conflicting classifications of pathogenicity. Review status: criteria provided, conflicting classifications (1 of 4 stars). 3 submissions from 3 submitters: Likely pathogenic (1); Uncertain significance (2). Last evaluated 2025-11-11.

Allele frequency attached by ClinVar (database versions not stated): TOPMed below 0.00001; gnomAD 0.00001.
gnomAD v4.1: 1 of 1,613,636 alleles (0.000062%); highest among the groups gnomAD compares: Non-Finnish European, 0.000085%; no homozygotes.

Submissions (3):

Labcorp Genetics (formerly Invitae), Labcorp
Classification: Uncertain significance. Last evaluated: 2025-11-11. Review status: criteria provided, single submitter. Criteria: Invitae Variant Classification Sherloc (09022015). Collection method: clinical testing. Allele origin: germline.
Comment: This sequence change affects a donor splice site in intron 51 of the SPTA1 gene. While this variant is not anticipated to result in nonsense mediated decay, it likely alters RNA splicing and results in a disrupted protein product. This variant is not present in population databases (gnomAD no frequency). This variant has not been reported in the literature in individuals affected with SPTA1-related conditions. ClinVar contains an entry for this variant (Variation ID: 2433761). Variants that disrupt the consensus splice site are a relatively common cause of aberrant splicing (PMID: 17576681, 9536098). Algorithms developed to predict the effect of sequence changes on RNA splicing suggest that this variant may disrupt the consensus splice site. In summary, the available evidence is currently insufficient to determine the role of this variant in disease. Therefore, it has been classified as a Variant of Uncertain Significance.

ARUP Laboratories, Molecular Genetics and Genomics, ARUP Laboratories
Classification: Uncertain significance. Last evaluated: 2024-08-29. Review status: criteria provided, single submitter. Criteria: ARUP Molecular Germline Variant Investigation Process 2024. Collection method: clinical testing. Allele origin: germline.
Comment: The SPTA1 c.7134+2T>G variant (rs1170758603), to our knowledge, is not reported in the medical literature but is reported in ClinVar (Variation ID: 2433761). This variant is absent from the Genome Aggregation Database (v2.1.1), indicating it is not a common polymorphism. This variant disrupts the canonical splice donor site of intron 51, which is likely to negatively impact gene function. However, given that this variant is expected to disrupt the penultimate exon and the lack of clinical and functional data, the significance of this variant is uncertain at this time.

Revvity Omics, Revvity
Classification: Likely pathogenic. Last evaluated: 2023-10-16. Review status: criteria provided, single submitter. Criteria: ACMG Guidelines, 2015. Collection method: clinical testing. Allele origin: germline.

Literature cited by the submitters: PubMed 17576681 (cited by Labcorp Genetics (formerly Invitae), Labcorp); PubMed 9536098 (cited by Labcorp Genetics (formerly Invitae), Labcorp).

NM_003126.4(SPTA1):c.7134+2T>G

Gene: SPTA1 (spectrin alpha, erythrocytic 1; minus strand). Cytogenetic location: 1q23.1.
Variant type: single nucleotide variant.
Coding change: c.7134+2T>G on transcript NM_003126.4 (MANE Select); the canonical splice donor site of the intron after coding-DNA position 7134, T replaced by G.
Molecular consequence: splice donor variant.
Genome position (GRCh38, 1-based): chr1:158,612,815, A>C on the plus strand (T>G on the coding strand, the complement: SPTA1 is on the minus strand). VCF-style: chr1-158612815-A-C. GRCh37 (hg19) VCF-style: chr1-158582605-A-C.
Identifiers: ClinVar variation 2433761 (VCV002433761.5), dbSNP rs1170758603, ClinGen allele CA343011047.
Genomic context (GRCh38, chr1:158,612,815, plus strand): 5'-CTGAGATGACCAGAATTCAAATTAGGATGACAGTGTAGTAGGGGAAGCAACCAGAATCGG[A>C]CCTGCTTCATGTCTTCTTTGGTAATATATGACTTGCCCTCTGCCAGGGCTTGGAAGGCAT-3'